The following is an entry in ClinVar:

ClinVar aggregate classification (germline): Uncertain significance. Review status: criteria provided, multiple submitters, no conflicts (2 of 4 stars). 3 submissions from 3 submitters: Uncertain significance (2). 1 of the submissions does not count toward it. Last evaluated 2022-02-17.

Conditions:
Zellweger spectrum disorders (ZS). Also called: Zellweger Spectrum Disorder (ZSD); Zellweger Spectrum Disorder; Zellweger Spectrum; Zellweger syndrome. Identifiers: Orphanet 912, MedGen C0043459, MONDO:0019609.

Allele frequency attached by ClinVar (database versions not stated): gnomAD exomes below 0.00001; TOPMed 0.00001.
gnomAD v4.1: 1 of 1,614,038 alleles (0.000062%); highest among the groups gnomAD compares: East Asian, 0.0022%; no homozygotes.

Submissions (3):

Labcorp Genetics (formerly Invitae), Labcorp
Classification: Uncertain significance for Zellweger spectrum disorders. Last evaluated: 2022-02-17. Review status: criteria provided, single submitter. Criteria: Invitae Variant Classification Sherloc (09022015). Collection method: clinical testing. Allele origin: germline.
Comment: This sequence change replaces serine, which is neutral and polar, with arginine, which is basic and polar, at codon 1155 of the PEX1 protein (p.Ser1155Arg). This variant is not present in population databases (gnomAD no frequency). This variant has not been reported in the literature in individuals affected with PEX1-related conditions. ClinVar contains an entry for this variant (Variation ID: 1036063). Advanced modeling of protein sequence and biophysical properties (such as structural, functional, and spatial information, amino acid conservation, physicochemical variation, residue mobility, and thermodynamic stability) performed at Invitae indicates that this missense variant is not expected to disrupt PEX1 protein function. In summary, the available evidence is currently insufficient to determine the role of this variant in disease. Therefore, it has been classified as a Variant of Uncertain Significance.

Blueprint Genetics
Classification: Uncertain significance. Last evaluated: 2017-08-22. Review status: criteria provided, single submitter. Criteria: ACMG Guidelines, 2015. Collection method: clinical testing. Allele origin: germline.

Natera, Inc.
Classification: Uncertain significance for Zellweger syndrome. Last evaluated: 2018-09-13. Review status: no assertion criteria provided. Collection method: clinical testing. Allele origin: germline. Not counted in ClinVar's aggregate classification.

NM_000466.3(PEX1):c.3463A>C (p.Ser1155Arg)

Genes: GATAD1 (GATA zinc finger domain containing 1; plus strand), PEX1 (peroxisomal biogenesis factor 1; minus strand). Cytogenetic location: 7q21.2.
Variant type: single nucleotide variant.
Coding change: c.3463A>C on transcript NM_000466.3 (MANE Select); coding-DNA position 3463, A replaced by C.
Protein change: p.Ser1155Arg; replaces serine 1155 with arginine.
Molecular consequence: missense variant.
Genome position (GRCh38, 1-based): chr7:92,489,887, T>G on the plus strand (A>C on the coding strand, the complement: PEX1 is on the minus strand). VCF-style: chr7-92489887-T-G. GRCh37 (hg19) VCF-style: chr7-92119201-T-G.
Other names: c.3292A>C, p.Ser1098Arg (NM_001282677.2); c.2839A>C, p.Ser947Arg (NM_001282678.2); short protein forms S947R, S1098R, S1155R.
Identifiers: ClinVar variation 1036063 (VCV001036063.11), dbSNP rs1791190751, ClinGen allele CA368162161.